The following is an entry in ClinVar:

NM_001199397.3(NEK1):c.2140-69G>A

Gene: NEK1 (NIMA related kinase 1; minus strand). Cytogenetic location: 4q33.
Variant type: single nucleotide variant.
Coding change: c.2140-69G>A on transcript NM_001199397.3 (MANE Select); 69 bases into the intron before coding-DNA position 2140, G replaced by A.
Molecular consequence: intron variant.
Genome position (GRCh38, 1-based): chr4:169,477,566, C>T on the plus strand (G>A on the coding strand, the complement: NEK1 is on the minus strand). VCF-style: chr4-169477566-C-T. GRCh37 (hg19) VCF-style: chr4-170398717-C-T.
Other names: c.1834-69G>A (NM_001374421.1); c.2005-69G>A (NM_001374420.1); c.1849-69G>A (NM_001199399.3); c.2008-69G>A (NM_001199398.3); c.2056-69G>A (NM_001374419.1, NM_012224.4); c.1924-69G>A (NM_001199400.3); c.2140-69G>A (NM_001374418.1).
Identifiers: ClinVar variation 674996 (VCV000674996.2), dbSNP rs67794467, ClinGen allele CA11880381.

ClinVar aggregate classification (germline): Benign. Review status: criteria provided, multiple submitters, no conflicts (2 of 4 stars). 2 submissions from 2 submitters: Benign (2). Last evaluated 2018-06-17.

Allele frequency attached by ClinVar (database versions not stated): gnomAD exomes 0.17691; gnomAD 0.28307 and 0.29197; ESP Exome Variant Server 0.29846; TOPMed 0.29860; 1000 Genomes Project 0.30331; 1000 Genomes Project 30x 0.31121.
gnomAD v4.1: 220,531 of 1,150,398 alleles (19%); highest among the groups gnomAD compares: African/African-American, 58%; 26,869 homozygotes.

Submissions (2):

GeneDx
Classification: Benign. Last evaluated: 2018-06-17. Review status: criteria provided, single submitter. Criteria: GeneDx Variant Classification (06012015). Collection method: clinical testing. Allele origin: germline. Affected: yes.
Comment: This variant is considered likely benign or benign based on one or more of the following criteria: it is a conservative change, it occurs at a poorly conserved position in the protein, it is predicted to be benign by multiple in silico algorithms, and/or has population frequency not consistent with disease.

Breakthrough Genomics
Classification: Benign. Review status: criteria provided, single submitter. Criteria: ACMG Guidelines, 2015. Collection method: not provided. Allele origin: germline. Inheritance: Autosomal recessive inheritance. Affected: yes.